The following is an entry in ClinVar:

NM_014747.3(RIMS3):c.801C>T (p.Ser267=)

Gene: RIMS3 (regulating synaptic membrane exocytosis 3; minus strand). Cytogenetic location: 1p34.2.
Variant type: single nucleotide variant.
Coding change: c.801C>T on transcript NM_014747.3 (MANE Select); coding-DNA position 801, C replaced by T.
Protein change: p.Ser267=; no amino-acid change (serine 267 retained).
Molecular consequence: synonymous variant.
Genome position (GRCh38, 1-based): chr1:40,626,643, G>A on the plus strand (C>T on the coding strand, the complement: RIMS3 is on the minus strand). VCF-style: chr1-40626643-G-A. GRCh37 (hg19) VCF-style: chr1-41092315-G-A.
Identifiers: ClinVar variation 4980869 (VCV004980869.1).

ClinVar aggregate classification (germline): Likely benign (1 of 4 stars; one submission).

Conditions:
RIMS3-related disorder. Also called: RIMS3-related condition.

gnomAD v4.1: 63 of 1,614,084 alleles (0.0039%); highest among the groups gnomAD compares: Admixed American, 0.035%; no homozygotes.

Submission:

PreventionGenetics, part of Exact Sciences
Classification: Likely benign for RIMS3-related condition. Last evaluated: 2024-10-18. Review status: criteria provided, single submitter. Criteria: ACMG Guidelines, 2015. Collection method: clinical testing. Allele origin: germline.
Comment: This variant is classified as likely benign based on ACMG/AMP sequence variant interpretation guidelines (Richards et al. 2015 PMID: 25741868, with internal and published modifications).